The following is an entry in ClinVar:

ClinVar aggregate classification (germline): Benign (0 of 4 stars; one submission).

Conditions:
DNHD1-related disorder. Also called: DNHD1-related condition.

Allele frequency attached by ClinVar (database versions not stated): 1000 Genomes Project 30x 0.00984; 1000 Genomes Project 0.01038; TOPMed 0.01770; ExAC 0.01813; gnomAD 0.02135; ESP Exome Variant Server 0.02387; gnomAD exomes 0.02722.
gnomAD v4.1: 41,077 of 1,552,160 alleles (2.6%); highest among the groups gnomAD compares: Non-Finnish European, 3%; 652 homozygotes.

Submission:

PreventionGenetics, part of Exact Sciences
Classification: Benign for DNHD1-related condition. Last evaluated: 2019-06-12. Review status: no assertion criteria provided. Collection method: clinical testing. Allele origin: germline.
Comment: This variant is classified as benign based on ACMG/AMP sequence variant interpretation guidelines (Richards et al. 2015 PMID: 25741868, with internal and published modifications).

NM_144666.3(DNHD1):c.5422C>T (p.Arg1808Cys)

Gene: DNHD1 (dynein heavy chain domain 1; plus strand). Cytogenetic location: 11p15.4.
Variant type: single nucleotide variant.
Coding change: c.5422C>T on transcript NM_144666.3 (MANE Select); coding-DNA position 5422, C replaced by T.
Protein change: p.Arg1808Cys; replaces arginine 1808 with cysteine.
Molecular consequence: missense variant.
Genome position (GRCh38, 1-based): chr11:6,546,361, C>T. VCF-style: chr11-6546361-C-T. GRCh37 (hg19) VCF-style: chr11-6567591-C-T.
Other names: short protein forms R1808C.
Identifiers: ClinVar variation 3055808 (VCV003055808.2), dbSNP rs145119715, ClinGen allele CA5856054.